The following is an entry in ClinVar:

NM_005402.4(RALA):c.467C>T (p.Thr156Ile)

Gene: RALA (RAS like proto-oncogene A; plus strand). Cytogenetic location: 7p14.1.
Variant type: single nucleotide variant.
Coding change: c.467C>T on transcript NM_005402.4 (MANE Select); coding-DNA position 467, C replaced by T.
Protein change: p.Thr156Ile; replaces threonine 156 with isoleucine.
Molecular consequence: missense variant.
Genome position (GRCh38, 1-based): chr7:39,696,828, C>T. VCF-style: chr7-39696828-C-T. GRCh37 (hg19) VCF-style: chr7-39736427-C-T.
Other names: short protein forms T156I.
Identifiers: ClinVar variation 2574156 (VCV002574156.2), dbSNP rs2534049660, ClinGen allele CA367306659.
Genomic context (GRCh38, chr7:39,696,828, plus strand): 5'-AGGTTTCTGTAGAAGAGGCAAAAAACAGAGCTGAGCAGTGGAATGTTAACTACGTGGAAA[C>T]ATCTGCTAAAACACGAGCTAATGTTGACAAGGTAACACGTGACTCTTTACTACTGCATCA-3'
Protein context (NP_005393.2, residues 146-166): AEQWNVNYVE[Thr156Ile]SAKTRANVDK

ClinVar aggregate classification (germline): Likely pathogenic. Review status: criteria provided, multiple submitters, no conflicts (2 of 4 stars). 2 submissions from 2 submitters: Likely pathogenic (2). Last evaluated 2025-02-25.

Conditions:
Hiatt-Neu-Cooper neurodevelopmental syndrome. Identifiers: MedGen C5543338, MONDO:0859142, OMIM 619311.

Submissions (2):

3billion
Classification: Likely pathogenic for Hiatt-Neu-Cooper neurodevelopmental syndrome. Last evaluated: 2025-02-25. Review status: criteria provided, single submitter. Criteria: ACMG Guidelines, 2015. Collection method: clinical testing. Allele origin: germline. Affected: yes.

GeneDx
Classification: Likely pathogenic. Last evaluated: 2020-12-15. Review status: criteria provided, single submitter. Criteria: GeneDx Variant Classification Process June 2021. Collection method: clinical testing. Allele origin: germline. Affected: yes.
Comment: Not observed in large population cohorts (gnomAD); In silico analysis supports that this missense variant has a deleterious effect on protein structure/function; Has not been previously published as pathogenic or benign to our knowledge